The following is an entry in ClinVar:

NM_001127649.3(PEX26):c.668-2A>G

Gene: PEX26 (peroxisomal biogenesis factor 26; plus strand). Cytogenetic location: 22q11.21.
Variant type: single nucleotide variant.
Coding change: c.668-2A>G on transcript NM_001127649.3 (MANE Select); the canonical splice acceptor site of the intron before coding-DNA position 668, A replaced by G.
Molecular consequence: splice acceptor variant. On other transcripts: intron variant (1).
Genome position (GRCh38, 1-based): chr22:18,085,110, A>G. VCF-style: chr22-18085110-A-G. GRCh37 (hg19) VCF-style: chr22-18567876-A-G.
Other names: c.668-2A>G (NM_017929.6); c.667+1378A>G (NM_001199319.2).
Identifiers: ClinVar variation 1492723 (VCV001492723.6), dbSNP rs2123657331, ClinGen allele CA410268451.
Genomic context (GRCh38, chr22:18,085,110, plus strand): 5'-TCGGGGTCAGGGAAGCTGATTCCCATGACATCCCTGAAGCTGTGCTCTGTCTCCCTGGCC[A>G]GGCTCTGTCTCCCACAAGTTCCTGTCACTACCGATGTTGGTTCGCCAGCTTTGGGACTCT-3'

ClinVar aggregate classification (germline): Likely pathogenic (1 of 4 stars; one submission).

Conditions:
Peroxisome biogenesis disorder 7A (Zellweger). Also called: Peroxisome biogenesis disorder 7A. Identifiers: Orphanet 912, MedGen C3888385, MONDO:0013938, OMIM 614872.
Peroxisome biogenesis disorder 7B (PBD7B). Identifiers: Orphanet 44, MedGen C3553951, MONDO:0013939, OMIM 614873.

Submission:

Labcorp Genetics (formerly Invitae), Labcorp
Classification: Likely pathogenic for Peroxisome biogenesis disorder 7A (Zellweger); Peroxisome biogenesis disorder 7B. Last evaluated: 2021-07-28. Review status: criteria provided, single submitter. Criteria: Invitae Variant Classification Sherloc (09022015). Collection method: clinical testing. Allele origin: germline.
Comment: In summary, the currently available evidence indicates that the variant is pathogenic, but additional data are needed to prove that conclusively. Therefore, this variant has been classified as Likely Pathogenic. Algorithms developed to predict the effect of sequence changes on RNA splicing suggest that this variant may disrupt the consensus splice site. This variant has not been reported in the literature in individuals affected with PEX26-related conditions. This variant is not present in population databases (ExAC no frequency). This sequence change affects an acceptor splice site in intron 4 of the PEX26 gene. It is expected to disrupt RNA splicing. Variants that disrupt the donor or acceptor splice site typically lead to a loss of protein function (PMID: 16199547), and loss-of-function variants in PEX26 are known to be pathogenic (PMID: 12851857, 21031596).

Literature cited by the submitters: PubMed 16199547; PubMed 12851857; PubMed 21031596.